The following is an entry in ClinVar:

ClinVar aggregate classification (germline): Likely benign. Review status: criteria provided, multiple submitters, no conflicts (2 of 4 stars). 3 submissions from 3 submitters: Likely benign (2). 1 of the submissions does not count toward it. Last evaluated 2024-07-01.

Conditions:
DNHD1-related disorder. Also called: DNHD1-related condition.

Allele frequency attached by ClinVar (database versions not stated): gnomAD exomes 0.00012 and 0.00031; ExAC 0.00034; 1000 Genomes Project 30x 0.00109; 1000 Genomes Project 0.00120; ESP Exome Variant Server 0.00123; gnomAD 0.00123 and 0.00132; TOPMed 0.00132.
gnomAD v4.1: 390 of 1,614,074 alleles (0.024%); highest among the groups gnomAD compares: African/African-American, 0.43%; 2 homozygotes.

Submissions (3):

CeGaT Center for Human Genetics Tuebingen
Classification: Likely benign. Last evaluated: 2024-07-01. Review status: criteria provided, single submitter. Criteria: CeGaT Center For Human Genetics Tuebingen Variant Classification Criteria Version 2. Collection method: clinical testing. Allele origin: germline. Affected: yes. Observed: 2 variant alleles.
Comment: DNHD1: BP4, BS2

Labcorp Genetics (formerly Invitae), Labcorp
Classification: Likely benign. Last evaluated: 2019-12-31. Review status: criteria provided, single submitter. Criteria: Invitae Variant Classification Sherloc (09022015). Collection method: clinical testing. Allele origin: germline.

PreventionGenetics, part of Exact Sciences
Classification: Likely benign for DNHD1-related condition. Last evaluated: 2023-07-18. Review status: no assertion criteria provided. Collection method: clinical testing. Allele origin: germline. Not counted in ClinVar's aggregate classification.
Comment: This variant is classified as likely benign based on ACMG/AMP sequence variant interpretation guidelines (Richards et al. 2015 PMID: 25741868, with internal and published modifications).

NM_144666.3(DNHD1):c.950A>G (p.Asp317Gly)

Gene: DNHD1 (dynein heavy chain domain 1; plus strand). Cytogenetic location: 11p15.4.
Variant type: single nucleotide variant.
Coding change: c.950A>G on transcript NM_144666.3 (MANE Select); coding-DNA position 950, A replaced by G.
Protein change: p.Asp317Gly; replaces aspartic acid 317 with glycine.
Molecular consequence: missense variant.
Genome position (GRCh38, 1-based): chr11:6,508,909, A>G. VCF-style: chr11-6508909-A-G. GRCh37 (hg19) VCF-style: chr11-6530139-A-G.
Other names: c.950A>G, p.Asp317Gly (NM_173589.4); short protein forms D317G.
Identifiers: ClinVar variation 736881 (VCV000736881.27), dbSNP rs138424831, ClinGen allele CA5855465.
Genomic context (GRCh38, chr11:6,508,909, plus strand): 5'-GCCTTCACTGATCAGAGCTCTTTTTTTAAAGGCCTTACAGCCTGATGGTGGTGCCACCCG[A>G]CAAGGTGAATCCCGAGCACTACATCTTCTCTCCCTTTGGGATCTTGCATGTACATCCTGT-3'
Protein context (NP_653267.2, residues 307-327): RPYSLMVVPP[Asp317Gly]KVNPEHYIFS